The following is an entry in ClinVar:

ins(8;14)(q24.21;q32.33)

Variant type: Insertion.
Identifiers: ClinVar variation 627427 (VCV000627427.1).

ClinVar aggregate classification (germline): Pathogenic (0 of 4 stars; one submission).

Conditions:
Hematologic neoplasm. Also called: Hematological neoplasm; Hematologic cancer. Identifiers: MedGen C0376545, MeSH D019337, HP:0004377.

Submission:

Mayo Clinic Genomics Laboratory, Mayo Clinic
Classification: Pathogenic for Hematologic neoplasm. Last evaluated: 2018-08-01. Review status: no assertion criteria provided. Collection method: clinical testing. Allele origin: somatic. Inheritance: Somatic mutation. Affected: yes.
Comment: Results in a IGH/MYC rearrangement, previously described in several B-cell lymphomas

Literature cited by the submitters: PubMed 29903764; PubMed 26373676.